The following is an entry in ClinVar:

ClinVar aggregate classification (germline): Uncertain significance (1 of 4 stars; one submission).

gnomAD v4.1: 6 of 1,614,146 alleles (0.00037%); highest among the groups gnomAD compares: African/African-American, 0.0013%; no homozygotes.

Submission:

Labcorp Genetics (formerly Invitae), Labcorp
Classification: Uncertain significance. Last evaluated: 2025-08-04. Review status: criteria provided, single submitter. Criteria: Invitae Variant Classification Sherloc (09022015). Collection method: clinical testing. Allele origin: germline.
Comment: This sequence change replaces glycine, which is neutral and non-polar, with serine, which is neutral and polar, at codon 404 of the MMP9 protein (p.Gly404Ser). This variant is present in population databases (rs751218589, gnomAD 0.007%). This variant has not been reported in the literature in individuals affected with MMP9-related conditions. ClinVar contains an entry for this variant (Variation ID: 3691401). Invitae Evidence Modeling of protein sequence and biophysical properties (such as structural, functional, and spatial information, amino acid conservation, physicochemical variation, residue mobility, and thermodynamic stability) indicates that this missense variant is expected to disrupt MMP9 protein function with a positive predictive value of 80%. In summary, the available evidence is currently insufficient to determine the role of this variant in disease. Therefore, it has been classified as a Variant of Uncertain Significance.

NM_004994.3(MMP9):c.1210G>A (p.Gly404Ser)

Gene: MMP9 (matrix metallopeptidase 9; plus strand). Cytogenetic location: 20q13.12.
Variant type: single nucleotide variant.
Coding change: c.1210G>A on transcript NM_004994.3 (MANE Select); coding-DNA position 1210, G replaced by A.
Protein change: p.Gly404Ser; replaces glycine 404 with serine.
Molecular consequence: missense variant.
Genome position (GRCh38, 1-based): chr20:46,012,462, G>A. VCF-style: chr20-46012462-G-A. GRCh37 (hg19) VCF-style: chr20-44641101-G-A.
Other names: short protein forms G404S.
Identifiers: ClinVar variation 3691401 (VCV003691401.2).
Genomic context (GRCh38, chr20:46,012,462, plus strand): 5'-CGTCTCAGGCTCCCTCTCCCTCCAGGATACAGTTTGTTCCTCGTGGCGGCGCATGAGTTC[G>A]GCCACGCGCTGGGCTTAGATCATTCCTCAGTGCCGGAGGCGCTCATGTACCCTATGTACC-3'
Protein context (NP_004985.2, residues 394-414): SLFLVAAHEF[Gly404Ser]HALGLDHSSV